The following is an entry in ClinVar:

ClinVar aggregate classification (germline): Uncertain significance (1 of 4 stars; one submission).

Submission:

GeneDx
Classification: Uncertain significance. Last evaluated: 2025-05-04. Review status: criteria provided, single submitter. Criteria: GeneDx Variant Classification Process June 2021. Collection method: clinical testing. Allele origin: germline. Affected: yes.
Comment: Not observed at significant frequency in large population cohorts (gnomAD); In silico analysis suggests that this missense variant does not alter protein structure/function; Has not been previously published as pathogenic or benign to our knowledge

NM_020791.4(TAOK1):c.1138G>A (p.Glu380Lys)

Gene: TAOK1 (TAO kinase 1; plus strand). Cytogenetic location: 17q11.2.
Variant type: single nucleotide variant.
Coding change: c.1138G>A on transcript NM_020791.4 (MANE Select); coding-DNA position 1138, G replaced by A.
Protein change: p.Glu380Lys; replaces glutamic acid 380 with lysine.
Molecular consequence: missense variant.
Genome position (GRCh38, 1-based): chr17:29,498,456, G>A. VCF-style: chr17-29498456-G-A. GRCh37 (hg19) VCF-style: chr17-27825474-G-A.
Other names: c.1138G>A, p.Glu380Lys (NM_025142.1); short protein forms E380K.
Identifiers: ClinVar variation 4527329 (VCV004527329.1).